The following is an entry in ClinVar:

NM_001148.6(ANK2):c.8144C>T (p.Ser2715Phe)

Gene: ANK2 (ankyrin 2; plus strand). Cytogenetic location: 4q26.
Variant type: single nucleotide variant.
Coding change: c.8144C>T on transcript NM_001148.6 (MANE Select); coding-DNA position 8144, C replaced by T.
Protein change: p.Ser2715Phe; replaces serine 2715 with phenylalanine.
Molecular consequence: missense variant. On other transcripts: intron variant (68).
Genome position (GRCh38, 1-based): chr4:113,356,762, C>T. VCF-style: chr4-113356762-C-T. GRCh37 (hg19) VCF-style: chr4-114277918-C-T.
Other names: c.7910C>T, p.Ser2637Phe (NM_001386142.1); c.4544C>T, p.Ser1515Phe (NM_001386166.1); c.8285C>T, p.Ser2762Phe (NM_001386174.1); c.8261C>T, p.Ser2754Phe (NM_001386175.1); c.4412-4061C>T (NM_001386186.2, NM_001386148.2); c.4214-4061C>T (NM_001354269.3); c.4292-4061C>T (NM_001386187.2); c.4253-4061C>T (NM_001386147.1); and 35 more; short protein forms S2715F, S1515F, S2637F, S2754F, S2762F.
Identifiers: ClinVar variation 216528 (VCV000216528.20), dbSNP rs147619875, ClinGen allele CA336737.
Genomic context (GRCh38, chr4:113,356,762, plus strand): 5'-TTCCATCAAGCATGGACTCCAATTCCAGTCCAGAAGAAGTACAATTCCAGCCTGTCGTTT[C>T]CAAACAATATACTTTCAAGATGAATGAAGATACTCAGGAAGAGCCAGGCAAATCAGAAGA-3'
Protein context (NP_001139.3, residues 2705-2725): PEEVQFQPVV[Ser2715Phe]KQYTFKMNED

ClinVar aggregate classification (germline): Conflicting classifications of pathogenicity. Review status: criteria provided, conflicting classifications (1 of 4 stars). 7 submissions from 7 submitters: Uncertain significance (3); Likely benign (3). 1 of the submissions does not count toward it. Last evaluated 2026-01-11.

Conditions:
Cardiovascular phenotype. Identifiers: MedGen CN230736.
Meniere disease. Also called: Ménière's disease. Identifiers: MedGen C0025281, MONDO:0007972, OMIM 156000.
Long QT syndrome (LQTS). Identifiers: MedGen C0023976, MeSH D008133, MONDO:0002442. Disease mechanism: loss of function. Inheritance: Various modes of inheritance.
Cardiac arrhythmia, ankyrin-B-related. Also called: ANKYRIN-B SYNDROME. Identifiers: Orphanet 101016, Orphanet 768, MedGen C1970119, MONDO:0010958, OMIM 600919.

Allele frequency attached by ClinVar (database versions not stated): gnomAD 0.00010 and 0.00011; gnomAD exomes 0.00010; TOPMed 0.00010; ExAC 0.00012; ESP Exome Variant Server 0.00031.
gnomAD v4.1: 236 of 1,613,990 alleles (0.015%); highest among the groups gnomAD compares: Non-Finnish European, 0.019%; no homozygotes.

Submissions (7):

Labcorp Genetics (formerly Invitae), Labcorp
Classification: Likely benign for Long QT syndrome. Last evaluated: 2026-01-11. Review status: criteria provided, single submitter. Criteria: Invitae Variant Classification Sherloc (09022015). Collection method: clinical testing. Allele origin: germline.

GeneDx
Classification: Uncertain significance. Last evaluated: 2025-09-10. Review status: criteria provided, single submitter. Criteria: GeneDx Variant Classification Process June 2021. Collection method: clinical testing. Allele origin: germline. Affected: yes.
Comment: In silico analysis suggests that this missense variant does not alter protein structure/function; Located in exon 38, which is reported as being expressed in a brain-specific transcript (PMID: 1830053, 18790697, 26109584); Has not been previously published as pathogenic or benign to our knowledge; This variant is associated with the following publications: (PMID: 1830053, 18790697, 26109584)

Blueprint Genetics
Classification: Likely benign. Last evaluated: 2024-08-28. Review status: criteria provided, single submitter. Criteria: ACMG Guidelines, 2015. Collection method: clinical testing. Allele origin: germline.

Fulgent Genetics
Classification: Uncertain significance for Cardiac arrhythmia, ankyrin-B-related. Last evaluated: 2021-09-28. Review status: criteria provided, single submitter. Criteria: ACMG Guidelines, 2015. Collection method: clinical testing. Allele origin: unknown.

Ambry Genetics
Classification: Likely benign for Cardiovascular phenotype. Last evaluated: 2019-09-04. Review status: criteria provided, single submitter. Criteria: Ambry Variant Classification Scheme 2023. Collection method: clinical testing. Allele origin: germline.

Illumina Laboratory Services, Illumina
Classification: Uncertain significance for Cardiac arrhythmia, ankyrin-B-related. Last evaluated: 2018-01-12. Review status: criteria provided, single submitter. Criteria: ICSL Variant Classification Criteria 13 December 2019. Collection method: clinical testing. Allele origin: germline.

Center for Computational Biology & Bioinformatics, University of California, San Diego
Classification: Uncertain significance for Meniere disease. Last evaluated: 2024-06-03. Review status: no assertion criteria provided. Collection method: research. Allele origin: germline. Affected: yes. Not counted in ClinVar's aggregate classification.